The following is an entry in ClinVar:

ClinVar aggregate classification (germline): Uncertain significance (1 of 4 stars; one submission).

gnomAD v4.1: 3 of 1,614,094 alleles (0.00019%); highest among the groups gnomAD compares: Admixed American, 0.0017%; no homozygotes.

Submission:

Labcorp Genetics (formerly Invitae), Labcorp
Classification: Uncertain significance. Last evaluated: 2025-08-17. Review status: criteria provided, single submitter. Criteria: Invitae Variant Classification Sherloc (09022015). Collection method: clinical testing. Allele origin: germline.
Comment: This sequence change replaces aspartic acid, which is acidic and polar, with glutamic acid, which is acidic and polar, at codon 46 of the IFT57 protein (p.Asp46Glu). This variant is present in population databases (no rsID available, gnomAD 0.006%). This variant has not been reported in the literature in individuals affected with IFT57-related conditions. An algorithm developed to predict the effect of missense changes on protein structure and function (PolyPhen-2) suggests that this variant is likely to be tolerated. In summary, the available evidence is currently insufficient to determine the role of this variant in disease. Therefore, it has been classified as a Variant of Uncertain Significance.

NM_018010.4(IFT57):c.138C>G (p.Asp46Glu)

Gene: IFT57 (intraflagellar transport 57; minus strand). Cytogenetic location: 3q13.13.
Variant type: single nucleotide variant.
Coding change: c.138C>G on transcript NM_018010.4 (MANE Select); coding-DNA position 138, C replaced by G.
Protein change: p.Asp46Glu; replaces aspartic acid 46 with glutamic acid.
Molecular consequence: missense variant.
Genome position (GRCh38, 1-based): chr3:108,222,185, G>C on the plus strand (C>G on the coding strand, the complement: IFT57 is on the minus strand). VCF-style: chr3-108222185-G-C. GRCh37 (hg19) VCF-style: chr3-107941032-G-C.
Other names: short protein forms D46E.
Identifiers: ClinVar variation 4810500 (VCV004810500.1).
Genomic context (GRCh38, chr3:108,222,185, plus strand): 5'-CAGGTTGCTCTTCCGGAGGAACTCCTCCTCGTAGCGGAGCAGCTTCAGCTTCTCCACCAA[G>C]TCCTCCATCACCACGAACATGTGGTAGGCCGCGCCGGGCCCCCGCTCCAAGACCACTTCC-3'
Protein context (NP_060480.1, residues 36-56): AAYHMFVVME[Asp46Glu]LVEKLKLLRY